The following is an entry in ClinVar:

ClinVar aggregate classification (germline): Conflicting classifications of pathogenicity. Review status: criteria provided, conflicting classifications (1 of 4 stars). 12 submissions from 12 submitters: Uncertain significance (1); Benign (2); Likely benign (6). 3 of the submissions do not count toward it. Last evaluated 2026-01-31.

Conditions:
Inborn genetic diseases. Identifiers: MedGen C0950123, MeSH D030342.
PRDM16-related disorder. Also called: PRDM16-related condition.
Left ventricular noncompaction 8 (LVNC8). Identifiers: Orphanet 154, Orphanet 54260, MedGen C3809288, MONDO:0014152, OMIM 615373.

Allele frequency attached by ClinVar (database versions not stated): gnomAD exomes 0.00052; ESP Exome Variant Server 0.00113; ExAC 0.00144; gnomAD 0.00157 and 0.00168; TOPMed 0.00183; 1000 Genomes Project 30x 0.00187; 1000 Genomes Project 0.00220.
gnomAD v4.1: 519 of 1,496,222 alleles (0.035%); highest among the groups gnomAD compares: African/African-American, 0.54%; 3 homozygotes.

Submissions (12):

Labcorp Genetics (formerly Invitae), Labcorp
Classification: Likely benign for Left ventricular noncompaction 8. Last evaluated: 2026-01-31. Review status: criteria provided, single submitter. Criteria: Invitae Variant Classification Sherloc (09022015). Collection method: clinical testing. Allele origin: germline.

Ambry Genetics
Classification: Uncertain significance for Inborn genetic diseases. Last evaluated: 2025-08-07. Review status: criteria provided, single submitter. Criteria: Ambry Variant Classification Scheme 2023. Collection method: clinical testing. Allele origin: germline.

Women's Health and Genetics/Laboratory Corporation of America, LabCorp
Classification: Likely benign. Last evaluated: 2025-03-22. Review status: criteria provided, single submitter. Criteria: LabCorp Variant Classification Summary - May 2015. Collection method: clinical testing. Allele origin: germline.

ARUP Laboratories, Molecular Genetics and Genomics, ARUP Laboratories
Classification: Likely benign. Last evaluated: 2024-10-10. Review status: criteria provided, single submitter. Criteria: ARUP Molecular Germline Variant Investigation Process 2024. Collection method: clinical testing. Allele origin: germline.

Blueprint Genetics
Classification: Benign. Last evaluated: 2024-09-04. Review status: criteria provided, single submitter. Criteria: ACMG Guidelines, 2015. Collection method: clinical testing. Allele origin: germline.

CeGaT Center for Human Genetics Tuebingen
Classification: Likely benign. Last evaluated: 2023-12-01. Review status: criteria provided, single submitter. Criteria: CeGaT Center For Human Genetics Tuebingen Variant Classification Criteria Version 2. Collection method: clinical testing. Allele origin: germline. Affected: yes. Observed: 1 variant allele.
Comment: PRDM16: BP4, BS1

GeneDx
Classification: Likely benign. Last evaluated: 2021-02-02. Review status: criteria provided, single submitter. Criteria: GeneDx Variant Classification Process June 2021. Collection method: clinical testing. Allele origin: germline. Affected: yes.

Laboratory for Molecular Medicine, Mass General Brigham Personalized Medicine
Classification: Benign. Last evaluated: 2014-11-24. Review status: criteria provided, single submitter. Criteria: LMM Criteria. Collection method: clinical testing. Allele origin: germline. Observed: 3 variant alleles.
Comment: Gly836Ser in exon 9 of PRDM16: This variant is not expected to have clinical sig nificance because it has been identified in 3.4% (6/176) of Yoruba (Nigerian) ch romosomes from a broad population by the 1000 Genomes Project (dbSNP rs114204766).

Breakthrough Genomics
Classification: Likely benign. Review status: criteria provided, single submitter. Criteria: ACMG Guidelines, 2015. Collection method: not provided. Allele origin: germline. Inheritance: Autosomal dominant inheritance. Affected: yes.

PreventionGenetics, part of Exact Sciences
Classification: Benign for PRDM16-related condition. Last evaluated: 2019-11-14. Review status: no assertion criteria provided. Collection method: clinical testing. Allele origin: germline. Not counted in ClinVar's aggregate classification.
Comment: This variant is classified as benign based on ACMG/AMP sequence variant interpretation guidelines (Richards et al. 2015 PMID: 25741868, with internal and published modifications).

Clinical Genetics, Academic Medical Center
Classification: Likely benign. Review status: no assertion criteria provided. Collection method: clinical testing. Allele origin: germline. Affected: yes. Study: VKGL Data-share Consensus. Not counted in ClinVar's aggregate classification.

Diagnostic Laboratory, Department of Genetics, University Medical Center Groningen
Classification: Likely benign. Review status: no assertion criteria provided. Collection method: clinical testing. Allele origin: germline. Affected: yes. Study: VKGL Data-share Consensus. Not counted in ClinVar's aggregate classification.

NM_022114.4(PRDM16):c.2506G>A (p.Gly836Ser)

Gene: PRDM16 (PR/SET domain 16; plus strand). Cytogenetic location: 1p36.32.
Variant type: single nucleotide variant.
Coding change: c.2506G>A on transcript NM_022114.4 (MANE Select); coding-DNA position 2506, G replaced by A.
Protein change: p.Gly836Ser; replaces glycine 836 with serine.
Molecular consequence: missense variant.
Genome position (GRCh38, 1-based): chr1:3,412,703, G>A. VCF-style: chr1-3412703-G-A. GRCh37 (hg19) VCF-style: chr1-3329267-G-A.
Other names: c.2506G>A, p.Gly836Ser (NM_199454.3); short protein forms G836S.
Identifiers: ClinVar variation 227030 (VCV000227030.47), dbSNP rs114204766, ClinGen allele CA544494.
Genomic context (GRCh38, chr1:3,412,703, plus strand): 5'-AACGGCGGCGGGCGGGAGCCCCGCAAGAACCACGTCTATGGGGAACGCAAGCTGGGCGCC[G>A]GCGAGGGGCTGCCCCAGGTGTGCCCGGCGCGGATGCCCCAGCAGCCCCCGCTCCACTACG-3'
Protein context (NP_071397.3, residues 826-846): HVYGERKLGA[Gly836Ser]EGLPQVCPAR